The following is an entry in ClinVar:

ClinVar aggregate classification (germline): Benign. Review status: criteria provided, multiple submitters, no conflicts (2 of 4 stars). 2 submissions from 2 submitters: Benign (2). Last evaluated 2019-08-23.

Allele frequency attached by ClinVar (database versions not stated): gnomAD exomes 0.02703; gnomAD 0.05689 and 0.05916; TOPMed 0.06097; 1000 Genomes Project 0.09704.
gnomAD v4.1: 35,511 of 1,105,044 alleles (3.2%); highest among the groups gnomAD compares: South Asian, 11%; 991 homozygotes.

Submissions (2):

GeneDx
Classification: Benign. Last evaluated: 2019-08-23. Review status: criteria provided, single submitter. Criteria: GeneDx Variant Classification Process June 2021. Collection method: clinical testing. Allele origin: germline. Affected: yes.
Comment: This variant is associated with the following publications: (PMID: 29978580)

Breakthrough Genomics
Classification: Benign. Review status: criteria provided, single submitter. Criteria: ACMG Guidelines, 2015. Collection method: not provided. Allele origin: germline. Inheritance: Autosomal dominant inheritance. Affected: yes.

NM_004958.4(MTOR):c.*829A>G

Gene: MTOR (mechanistic target of rapamycin kinase; minus strand). Cytogenetic location: 1p36.22.
Variant type: single nucleotide variant.
Coding change: c.*829A>G on transcript NM_004958.4 (MANE Select); 829 bases downstream of the stop codon, A replaced by G.
Molecular consequence: 3 prime UTR variant.
Genome position (GRCh38, 1-based): chr1:11,106,656, T>C on the plus strand (A>G on the coding strand, the complement: MTOR is on the minus strand). VCF-style: chr1-11106656-T-C. GRCh37 (hg19) VCF-style: chr1-11166713-T-C.
Other names: c.*829A>G (NM_001386500.1, NM_001386501.1).
Identifiers: ClinVar variation 1237596 (VCV001237596.4), dbSNP rs2536, ClinGen allele CA15101175.
Genomic context (GRCh38, chr1:11,106,656, plus strand): 5'-TAGACATGGCTACACTTTATACTTTGTGCATTTAGTTGAGTATTTGTTCTGCTCATAATT[T>C]CCAATATGTACCAGACCTTCCCTGTGTTCAGCACCTCCATGACAGTATTTCTGTTTTCTG-3'